The following is an entry in ClinVar:

NM_001034850.3(RETREG1):c.743C>T (p.Ser248Leu)

Gene: RETREG1 (reticulophagy regulator 1; minus strand). Cytogenetic location: 5p15.1.
Variant type: single nucleotide variant.
Coding change: c.743C>T on transcript NM_001034850.3 (MANE Select); coding-DNA position 743, C replaced by T.
Protein change: p.Ser248Leu; replaces serine 248 with leucine.
Molecular consequence: missense variant.
Genome position (GRCh38, 1-based): chr5:16,478,915, G>A on the plus strand (C>T on the coding strand, the complement: RETREG1 is on the minus strand). VCF-style: chr5-16478915-G-A. GRCh37 (hg19) VCF-style: chr5-16479024-G-A.
Other names: c.320C>T, p.Ser107Leu (NM_019000.5); short protein forms S248L, S107L.
Identifiers: ClinVar variation 645707 (VCV000645707.6), dbSNP rs1172646761, ClinGen allele CA359258574.
Genomic context (GRCh38, chr5:16,478,915, plus strand): 5'-CTCTCACGTTTCTTCTGATTAATATATTCTCCAATTCCAAAATCCAGTTTCAGCAGAACT[G>A]ACTTAATTTTGCTGTAAATTTTTTGTCCAATATCATTACATTTAAACAATGGACACAAAA-3'
Protein context (NP_001030022.1, residues 238-258): IGQKIYSKIK[Ser248Leu]VLLKLDFGIG

ClinVar aggregate classification (germline): Uncertain significance (1 of 4 stars; one submission).

Allele frequency attached by ClinVar (database versions not stated): gnomAD exomes below 0.00001; gnomAD 0.00001; TOPMed 0.00001.
gnomAD v4.1: 5 of 1,611,488 alleles (0.00031%); highest among the groups gnomAD compares: Admixed American, 0.0033%; no homozygotes.

Submission:

Labcorp Genetics (formerly Invitae), Labcorp
Classification: Uncertain significance. Last evaluated: 2021-08-24. Review status: criteria provided, single submitter. Criteria: Invitae Variant Classification Sherloc (09022015). Collection method: clinical testing. Allele origin: germline.
Comment: This sequence change replaces serine with leucine at codon 248 of the RETREG1 protein (p.Ser248Leu). The serine residue is moderately conserved and there is a large physicochemical difference between serine and leucine. This variant is not present in population databases (ExAC no frequency). This variant has not been reported in the literature in individuals affected with RETREG1-related conditions. Algorithms developed to predict the effect of missense changes on protein structure and function are either unavailable or do not agree on the potential impact of this missense change (SIFT: "Tolerated"; PolyPhen-2: "Possibly Damaging"; Align-GVGD: "Class C15"). In summary, the available evidence is currently insufficient to determine the role of this variant in disease. Therefore, it has been classified as a Variant of Uncertain Significance.